The following is an entry in ClinVar:

NM_000426.4(LAMA2):c.6867+6G>A

Gene: LAMA2 (laminin subunit alpha 2; plus strand). Cytogenetic location: 6q22.33.
Variant type: single nucleotide variant.
Coding change: c.6867+6G>A on transcript NM_000426.4 (MANE Select); 6 bases into the intron after coding-DNA position 6867, G replaced by A.
Molecular consequence: intron variant.
Genome position (GRCh38, 1-based): chr6:129,456,500, G>A. VCF-style: chr6-129456500-G-A. GRCh37 (hg19) VCF-style: chr6-129777645-G-A.
Other names: c.6867+6G>A (NM_001079823.2).
Identifiers: ClinVar variation 1906004 (VCV001906004.4), dbSNP rs2533425132, ClinGen allele CA2578756747.

ClinVar aggregate classification (germline): Uncertain significance (1 of 4 stars; one submission).

Conditions:
LAMA2-related muscular dystrophy (LAMA2-RD). Also called: Laminin alpha 2-related dystrophy. Identifiers: MedGen C5679788, MONDO:0100228.

Submission:

Labcorp Genetics (formerly Invitae), Labcorp
Classification: Uncertain significance for LAMA2-related muscular dystrophy. Last evaluated: 2024-03-11. Review status: criteria provided, single submitter. Criteria: Invitae Variant Classification Sherloc (09022015). Collection method: clinical testing. Allele origin: germline.
Comment: This sequence change falls in intron 48 of the LAMA2 gene. It does not directly change the encoded amino acid sequence of the LAMA2 protein. It affects a nucleotide within the consensus splice site. This variant is not present in population databases (gnomAD no frequency). This variant has not been reported in the literature in individuals affected with LAMA2-related conditions. ClinVar contains an entry for this variant (Variation ID: 1906004). Variants that disrupt the consensus splice site are a relatively common cause of aberrant splicing (PMID: 17576681, 9536098). Algorithms developed to predict the effect of sequence changes on RNA splicing suggest that this variant is not likely to affect RNA splicing. In summary, the available evidence is currently insufficient to determine the role of this variant in disease. Therefore, it has been classified as a Variant of Uncertain Significance.

Literature cited by the submitters: PubMed 17576681; PubMed 9536098.